The following is an entry in ClinVar:

ClinVar aggregate classification (germline): Uncertain significance (1 of 4 stars; one submission).

Allele frequency attached by ClinVar (database versions not stated): gnomAD exomes 0.00001; TOPMed 0.00001; ExAC 0.00002; gnomAD 0.00002.
gnomAD v4.1: 20 of 1,613,820 alleles (0.0012%); highest among the groups gnomAD compares: African/African-American, 0.0053%; no homozygotes.

Submission:

Labcorp Genetics (formerly Invitae), Labcorp
Classification: Uncertain significance. Last evaluated: 2021-11-09. Review status: criteria provided, single submitter. Criteria: Invitae Variant Classification Sherloc (09022015). Collection method: clinical testing. Allele origin: germline.
Comment: This variant has not been reported in the literature in individuals affected with WDR62-related conditions. This sequence change replaces proline, which is neutral and non-polar, with leucine, which is neutral and non-polar, at codon 1403 of the WDR62 protein (p.Pro1403Leu). This variant is present in population databases (rs746633430, gnomAD 0.01%). Algorithms developed to predict the effect of missense changes on protein structure and function (SIFT, PolyPhen-2, Align-GVGD) all suggest that this variant is likely to be tolerated. In summary, the available evidence is currently insufficient to determine the role of this variant in disease. Therefore, it has been classified as a Variant of Uncertain Significance.

NM_001083961.2(WDR62):c.4208C>T (p.Pro1403Leu)

Gene: WDR62 (WD repeat domain 62; plus strand). Cytogenetic location: 19q13.12.
Variant type: single nucleotide variant.
Coding change: c.4208C>T on transcript NM_001083961.2 (MANE Select); coding-DNA position 4208, C replaced by T.
Protein change: p.Pro1403Leu; replaces proline 1403 with leucine.
Molecular consequence: missense variant.
Genome position (GRCh38, 1-based): chr19:36,104,572, C>T. VCF-style: chr19-36104572-C-T. GRCh37 (hg19) VCF-style: chr19-36595474-C-T.
Other names: c.4193C>T, p.Pro1398Leu (NM_173636.5); short protein forms P1403L, P1398L.
Identifiers: ClinVar variation 1498188 (VCV001498188.6), dbSNP rs746633430, ClinGen allele CA9396502.